The following is an entry in ClinVar:

ClinVar aggregate classification (germline): Likely benign (1 of 4 stars; one submission).

Allele frequency attached by ClinVar (database versions not stated): gnomAD exomes 0.00054; 1000 Genomes Project 0.00479; 1000 Genomes Project 30x 0.00531; gnomAD 0.00552 and 0.00605; TOPMed 0.00616.
gnomAD v4.1: 1,637 of 1,575,460 alleles (0.1%); highest among the groups gnomAD compares: African/African-American, 2%; 12 homozygotes.

Submission:

GeneDx
Classification: Likely benign. Last evaluated: 2021-09-16. Review status: criteria provided, single submitter. Criteria: GeneDx Variant Classification Process June 2021. Collection method: clinical testing. Allele origin: germline. Affected: yes.
Comment: See Variant Classification Assertion Criteria.

NM_000718.4(CACNA1B):c.4950-52C>T

Gene: CACNA1B (calcium voltage-gated channel subunit alpha1 B; plus strand). Cytogenetic location: 9q34.3.
Variant type: single nucleotide variant.
Coding change: c.4950-52C>T on transcript NM_000718.4 (MANE Select); 52 bases into the intron before coding-DNA position 4950, C replaced by T.
Molecular consequence: intron variant.
Genome position (GRCh38, 1-based): chr9:138,078,062, C>T. VCF-style: chr9-138078062-C-T. GRCh37 (hg19) VCF-style: chr9-140972514-C-T.
Other names: c.4950-52C>T (NM_001243812.2).
Identifiers: ClinVar variation 1702733 (VCV001702733.2), dbSNP rs115002974, ClinGen allele CA201863225.